The following is an entry in ClinVar:

ClinVar aggregate classification (germline): Benign/Likely benign. Review status: criteria provided, multiple submitters, no conflicts (2 of 4 stars). 3 submissions from 3 submitters: Benign (2); Likely benign (1). Last evaluated 2025-12-09.

Conditions:
Age related macular degeneration 1 (ARMD1). Also called: MACULOPATHY, AGE-RELATED, 1. Identifiers: MedGen C1864205, MONDO:0011285, OMIM 603075.

Allele frequency attached by ClinVar (database versions not stated): gnomAD 0.00006 and 0.00008; TOPMed 0.00012; gnomAD exomes 0.00013 and 0.00027; ExAC 0.00027; 1000 Genomes Project 30x 0.00031; 1000 Genomes Project 0.00040.
gnomAD v4.1: 198 of 1,613,610 alleles (0.012%); highest among the groups gnomAD compares: East Asian, 0.43%; no homozygotes.

Submissions (3):

Labcorp Genetics (formerly Invitae), Labcorp
Classification: Benign. Last evaluated: 2025-12-09. Review status: criteria provided, single submitter. Criteria: Invitae Variant Classification Sherloc (09022015). Collection method: clinical testing. Allele origin: germline.

Genome-Nilou Lab
Classification: Benign for Age related macular degeneration 1. Last evaluated: 2023-04-11. Review status: criteria provided, single submitter. Criteria: ACMG Guidelines, 2015. Collection method: clinical testing. Allele origin: germline. Affected: no.

Illumina Laboratory Services, Illumina
Classification: Likely benign for Age related macular degeneration 1. Last evaluated: 2018-01-13. Review status: criteria provided, single submitter. Criteria: ICSL Variant Classification Criteria 13 December 2019. Collection method: clinical testing. Allele origin: germline.
Comment: This variant was observed in the ICSL laboratory as part of a predisposition screen in an ostensibly healthy population. It had not been previously curated by ICSL or reported in the Human Gene Mutation Database (HGMD: prior to June 1st, 2018), and was therefore a candidate for classification through an automated scoring system. Utilizing variant allele frequency, disease prevalence and penetrance estimates, and inheritance mode, an automated score was calculated to assess if this variant is too frequent to cause the disease. Based on the score and internal cut-off values, a variant classified as likely benign is not then subjected to further curation. The score for this variant resulted in a classification of likely benign for this disease.

NM_031935.3(HMCN1):c.14076C>T (p.Cys4692=)

Gene: HMCN1 (hemicentin 1; plus strand). Cytogenetic location: 1q31.1.
Variant type: single nucleotide variant.
Coding change: c.14076C>T on transcript NM_031935.3 (MANE Select); coding-DNA position 14076, C replaced by T.
Protein change: p.Cys4692=; no amino-acid change (cysteine 4692 retained).
Molecular consequence: synonymous variant.
Genome position (GRCh38, 1-based): chr1:186,144,324, C>T. VCF-style: chr1-186144324-C-T. GRCh37 (hg19) VCF-style: chr1-186113456-C-T.
Identifiers: ClinVar variation 734984 (VCV000734984.12), dbSNP rs144621380, ClinGen allele CA1294846.